The following is an entry in ClinVar:

ClinVar aggregate classification (germline): Uncertain significance (1 of 4 stars; one submission).

Allele frequency attached by ClinVar (database versions not stated): TOPMed below 0.00001.
gnomAD v4.1: 13 of 1,597,694 alleles (0.00081%); highest among the groups gnomAD compares: Non-Finnish European, 0.0011%; no homozygotes.

Submission:

Labcorp Genetics (formerly Invitae), Labcorp
Classification: Uncertain significance. Last evaluated: 2022-04-28. Review status: criteria provided, single submitter. Criteria: Invitae Variant Classification Sherloc (09022015). Collection method: clinical testing. Allele origin: germline.
Comment: This sequence change replaces leucine, which is neutral and non-polar, with glutamine, which is neutral and polar, at codon 30 of the PPCS protein (p.Leu30Gln). This variant is not present in population databases (gnomAD no frequency). This variant has not been reported in the literature in individuals affected with PPCS-related conditions. Algorithms developed to predict the effect of missense changes on protein structure and function (SIFT, PolyPhen-2, Align-GVGD) all suggest that this variant is likely to be tolerated. In summary, the available evidence is currently insufficient to determine the role of this variant in disease. Therefore, it has been classified as a Variant of Uncertain Significance.

NM_024664.4(PPCS):c.89T>A (p.Leu30Gln)

Genes: CCDC30 (coiled-coil domain containing 30; plus strand), PPCS (phosphopantothenoylcysteine synthetase; plus strand), LOC129930343 (ATAC-STARR-seq lymphoblastoid active region 893; plus strand). Cytogenetic location: 1p34.2.
Variant type: single nucleotide variant.
Coding change: c.89T>A on transcript NM_024664.4 (MANE Select); coding-DNA position 89, T replaced by A.
Protein change: p.Leu30Gln; replaces leucine 30 with glutamine.
Molecular consequence: missense variant. On other transcripts: 5 prime UTR variant (2), intron variant (5).
Genome position (GRCh38, 1-based): chr1:42,456,654, T>A. VCF-style: chr1-42456654-T-A. GRCh37 (hg19) VCF-style: chr1-42922325-T-A.
Other names: c.-82T>A (NM_001287508.2); c.-604T>A (NM_001287510.2); c.89T>A, p.Leu30Gln (NM_001287511.2); c.-984+155T>A (NM_001355226.2); c.-328+155T>A (NM_001287507.1); c.-12+155T>A (NM_001287506.1); c.-12+26T>A (NM_001077447.3); c.-12+71T>A (NM_001287509.2); short protein forms L30Q.
Identifiers: ClinVar variation 1977923 (VCV001977923.2), dbSNP rs1217355949, ClinGen allele CA339943634.